The following is an entry in ClinVar:

NM_012233.3(RAB3GAP1):c.-4C>T

Gene: RAB3GAP1 (RAB3 GTPase activating protein catalytic subunit 1; plus strand). Cytogenetic location: 2q21.3.
Variant type: single nucleotide variant.
Coding change: c.-4C>T on transcript NM_012233.3 (MANE Select); 4 bases upstream of the start codon, C replaced by T.
Molecular consequence: 5 prime UTR variant.
Genome position (GRCh38, 1-based): chr2:135,052,304, C>T. VCF-style: chr2-135052304-C-T. GRCh37 (hg19) VCF-style: chr2-135809874-C-T.
Other names: c.-4C>T (NM_001172435.2).
Identifiers: ClinVar variation 892873 (VCV000892873.9), dbSNP rs202050016, ClinGen allele CA1884362.

ClinVar aggregate classification (germline): Uncertain significance. Review status: criteria provided, multiple submitters, no conflicts (2 of 4 stars). 3 submissions from 3 submitters: Uncertain significance (2). 1 of the submissions does not count toward it. Last evaluated 2018-01-13.

Conditions:
RAB3GAP1-related disorder. Also called: RAB3GAP1-related condition; RAB3GAP1-related disorders.
Warburg micro syndrome 1 (WARBM1). Identifiers: Orphanet 2510, MedGen C1838625, MONDO:0010822, OMIM 600118.

Allele frequency attached by ClinVar (database versions not stated): gnomAD 0.00012; ESP Exome Variant Server 0.00031; gnomAD exomes 0.00012 and 0.00018; TOPMed 0.00009; ExAC 0.00012.
gnomAD v4.1: 284 of 1,613,552 alleles (0.018%); highest among the groups gnomAD compares: Non-Finnish European, 0.021%; 1 homozygote.

Submissions (3):

Illumina Laboratory Services, Illumina
Classification: Uncertain significance for Warburg micro syndrome 1. Last evaluated: 2018-01-13. Review status: criteria provided, single submitter. Criteria: ICSL Variant Classification Criteria 13 December 2019. Collection method: clinical testing. Allele origin: germline.

Genetic Services Laboratory, University of Chicago
Classification: Uncertain significance. Last evaluated: 2017-09-05. Review status: criteria provided, single submitter. Criteria: ACMG Guidelines, 2015. Collection method: clinical testing. Allele origin: germline. Affected: no.

PreventionGenetics, part of Exact Sciences
Classification: Likely benign for RAB3GAP1-related condition. Last evaluated: 2020-08-10. Review status: no assertion criteria provided. Collection method: clinical testing. Allele origin: germline. Not counted in ClinVar's aggregate classification.
Comment: This variant is classified as likely benign based on ACMG/AMP sequence variant interpretation guidelines (Richards et al. 2015 PMID: 25741868, with internal and published modifications).